The following is an entry in ClinVar:

NM_032578.4(MYPN):c.854G>A (p.Arg285Gln)

Gene: MYPN (myopalladin; plus strand). Cytogenetic location: 10q21.3.
Variant type: single nucleotide variant.
Coding change: c.854G>A on transcript NM_032578.4 (MANE Select); coding-DNA position 854, G replaced by A.
Protein change: p.Arg285Gln; replaces arginine 285 with glutamine.
Molecular consequence: missense variant. On other transcripts: 5 prime UTR variant (1), non-coding transcript variant (1).
Genome position (GRCh38, 1-based): chr10:68,122,292, G>A. VCF-style: chr10-68122292-G-A. GRCh37 (hg19) VCF-style: chr10-69882049-G-A.
Other names: c.854G>A, p.Arg285Gln (NM_001256267.2); c.-269G>A (NM_001256268.2); short protein forms R285Q.
Identifiers: ClinVar variation 3877261 (VCV003877261.1).
Genomic context (GRCh38, chr10:68,122,292, plus strand): 5'-TGGGGCAACCTCCCCGGTTCACTCAAAAGTTACGGAGCAGAGAAGTTCCAGAAGGAACTC[G>A]AGTACAGTTGGATTGCATAGTGGTAGGAATTCCACCACCTCAAGTAAGGTAAAAATGTCC-3'
Protein context (NP_115967.2, residues 275-295): LRSREVPEGT[Arg285Gln]VQLDCIVVGI

ClinVar aggregate classification (germline): Uncertain significance (1 of 4 stars; one submission).

Conditions:
Cardiovascular phenotype. Identifiers: MedGen CN230736.

Submission:

Ambry Genetics
Classification: Uncertain significance for Cardiovascular phenotype. Last evaluated: 2025-02-22. Review status: criteria provided, single submitter. Criteria: Ambry Variant Classification Scheme 2023. Collection method: clinical testing. Allele origin: germline.
Comment: The p.R285Q variant (also known as c.854G>A), located in coding exon 1 of the MYPN gene, results from a G to A substitution at nucleotide position 854. The arginine at codon 285 is replaced by glutamine, an amino acid with highly similar properties. This amino acid position is conserved. In addition, this alteration is predicted to be tolerated by in silico analysis. Based on the available evidence, the clinical significance of this variant remains unclear.